The following is an entry in ClinVar:

NM_006662.3(SRCAP):c.8381G>A (p.Arg2794His)

Gene: SRCAP (Snf2 related CREBBP activator protein; plus strand). Cytogenetic location: 16p11.2.
Variant type: single nucleotide variant.
Coding change: c.8381G>A on transcript NM_006662.3 (MANE Select); coding-DNA position 8381, G replaced by A.
Protein change: p.Arg2794His; replaces arginine 2794 with histidine.
Molecular consequence: missense variant.
Genome position (GRCh38, 1-based): chr16:30,738,421, G>A. VCF-style: chr16-30738421-G-A. GRCh37 (hg19) VCF-style: chr16-30749742-G-A.
Other names: short protein forms R2794H.
Identifiers: ClinVar variation 3580235 (VCV003580235.7).

ClinVar aggregate classification (germline): Likely benign. Review status: criteria provided, multiple submitters, no conflicts (2 of 4 stars). 2 submissions from 2 submitters: Likely benign (2). Last evaluated 2025-11-01.

Conditions:
Developmental delay, hypotonia, musculoskeletal defects, and behavioral abnormalities. Identifiers: MedGen C5562012, MONDO:0859202, OMIM 619595.
Floating-Harbor syndrome (FLHS). Also called: SRCAP-Related Floating-Harbor Syndrome; Short stature with delayed bone age, expressive language delay, a triangular face with a prominent nose and deep-set eyes; Pelletier-Leisti syndrome. Identifiers: Orphanet 2044, MedGen C0729582, MONDO:0007621, OMIM 136140.

Submissions (2):

CeGaT Center for Human Genetics Tuebingen
Classification: Likely benign. Last evaluated: 2025-11-01. Review status: criteria provided, single submitter. Criteria: CeGaT Center For Human Genetics Tuebingen Variant Classification Criteria Version 2. Collection method: clinical testing. Allele origin: germline. Affected: yes. Observed: 2 variant alleles.
Comment: SRCAP: BP4

Fulgent Genetics
Classification: Likely benign for Floating-Harbor syndrome; Developmental delay, hypotonia, musculoskeletal defects, and behavioral abnormalities. Last evaluated: 2024-04-30. Review status: criteria provided, single submitter. Criteria: ACMG Guidelines, 2015. Collection method: clinical testing. Allele origin: germline.